The following is an entry in ClinVar:

ClinVar aggregate classification (germline): Uncertain significance. Review status: criteria provided, multiple submitters, no conflicts (2 of 4 stars). 2 submissions from 2 submitters: Uncertain significance (2). Last evaluated 2025-03-13.

Conditions:
DICER1-related tumor predisposition. Also called: DICER1-related pleuropulmonary blastoma cancer predisposition syndrome; DICER1 syndrome. Identifiers: Orphanet 284343, MedGen C3839822, MONDO:0100216.
Hereditary cancer-predisposing syndrome. Also called: Tumor predisposition; Neoplastic Syndromes, Hereditary; Hereditary Cancer Syndrome; Hereditary neoplastic syndrome. Identifiers: Orphanet 140162, MedGen C0027672, MeSH D009386, MONDO:0015356.

Submissions (2):

Labcorp Genetics (formerly Invitae), Labcorp
Classification: Uncertain significance for DICER1-related tumor predisposition. Last evaluated: 2025-03-13. Review status: criteria provided, single submitter. Criteria: Invitae Variant Classification Sherloc (09022015). Collection method: clinical testing. Allele origin: germline.
Comment: This sequence change replaces asparagine, which is neutral and polar, with lysine, which is basic and polar, at codon 588 of the DICER1 protein (p.Asn588Lys). This variant is not present in population databases (gnomAD no frequency). This variant has not been reported in the literature in individuals affected with DICER1-related conditions. ClinVar contains an entry for this variant (Variation ID: 477059). Invitae Evidence Modeling of protein sequence and biophysical properties (such as structural, functional, and spatial information, amino acid conservation, physicochemical variation, residue mobility, and thermodynamic stability) indicates that this missense variant is not expected to disrupt DICER1 protein function with a negative predictive value of 95%. In summary, the available evidence is currently insufficient to determine the role of this variant in disease. Therefore, it has been classified as a Variant of Uncertain Significance.

Ambry Genetics
Classification: Uncertain significance for Hereditary cancer-predisposing syndrome. Last evaluated: 2022-02-08. Review status: criteria provided, single submitter. Criteria: Ambry Variant Classification Scheme 2023. Collection method: clinical testing. Allele origin: germline.
Comment: The p.N588K variant (also known as c.1764C>A), located in coding exon 10 of the DICER1 gene, results from a C to A substitution at nucleotide position 1764. The asparagine at codon 588 is replaced by lysine, an amino acid with similar properties. This amino acid position is highly conserved in available vertebrate species. In addition, this alteration is predicted to be tolerated by in silico analysis. Since supporting evidence is limited at this time, the clinical significance of this alteration remains unclear.

NM_177438.3(DICER1):c.1764C>A (p.Asn588Lys)

Gene: DICER1 (dicer 1, ribonuclease III; minus strand). Cytogenetic location: 14q32.13.
Variant type: single nucleotide variant.
Coding change: c.1764C>A on transcript NM_177438.3 (MANE Select); coding-DNA position 1764, C replaced by A.
Protein change: p.Asn588Lys; replaces asparagine 588 with lysine.
Molecular consequence: missense variant.
Genome position (GRCh38, 1-based): chr14:95,115,810, G>T on the plus strand (C>A on the coding strand, the complement: DICER1 is on the minus strand). VCF-style: chr14-95115810-G-T. GRCh37 (hg19) VCF-style: chr14-95582147-G-T.
Other names: c.1764C>A, p.Asn588Lys (NM_001195573.1, NM_001271282.3, NM_001291628.2 and 1 more transcripts); short protein forms N588K.
Identifiers: ClinVar variation 477059 (VCV000477059.13), dbSNP rs1555372652, ClinGen allele CA390884183.